The following is an entry in ClinVar:

NM_000320.3(QDPR):c.588G>C (p.Glu196Asp)

Gene: QDPR (quinoid dihydropteridine reductase; minus strand). Cytogenetic location: 4p15.32.
Variant type: single nucleotide variant.
Coding change: c.588G>C on transcript NM_000320.3 (MANE Select); coding-DNA position 588, G replaced by C.
Protein change: p.Glu196Asp; replaces glutamic acid 196 with aspartic acid.
Molecular consequence: missense variant. On other transcripts: non-coding transcript variant (1).
Genome position (GRCh38, 1-based): chr4:17,490,703, C>G on the plus strand (G>C on the coding strand, the complement: QDPR is on the minus strand). VCF-style: chr4-17490703-C-G. GRCh37 (hg19) VCF-style: chr4-17492326-C-G.
Other names: c.495G>C, p.Glu165Asp (NM_001306140.2); short protein forms E196D, E165D.
Identifiers: ClinVar variation 348154 (VCV000348154.21), dbSNP rs112209600, ClinGen allele CA2868046.

ClinVar aggregate classification (germline): Conflicting classifications of pathogenicity. Review status: criteria provided, conflicting classifications (1 of 4 stars). 6 submissions from 6 submitters: Uncertain significance (3); Benign (1); Likely benign (2). Last evaluated 2026-01-20.

Conditions:
Dihydropteridine reductase deficiency (HPABH4C). Also called: HYPERPHENYLALANINEMIA, TETRAHYDROBIOPTERIN-DEFICIENT, DUE TO DHPR DEFICIENCY; QDPR DEFICIENCY; QUINOID DIHYDROPTERIDINE REDUCTASE DEFICIENCY; Hyperphenylalaninemia due to dihydropteridine reductase deficiency; Hyperphenylalaninemia, BH-4-deficient, C; Phenylketonuria type 2. Identifiers: Orphanet 226, Orphanet 238583, MedGen C0268465, MONDO:0009862, OMIM 261630.
Inborn genetic diseases. Identifiers: MedGen C0950123, MeSH D030342.

Allele frequency attached by ClinVar (database versions not stated): TOPMed 0.00045; gnomAD 0.00046 and 0.00049; gnomAD exomes 0.00058 and 0.00082; ExAC 0.00070; 1000 Genomes Project 30x 0.00078; ESP Exome Variant Server 0.00085.
gnomAD v4.1: 1,259 of 1,614,078 alleles (0.078%); highest among the groups gnomAD compares: Non-Finnish European, 0.092%; 2 homozygotes.

Submissions (6):

Labcorp Genetics (formerly Invitae), Labcorp
Classification: Benign for Dihydropteridine reductase deficiency. Last evaluated: 2026-01-20. Review status: criteria provided, single submitter. Criteria: Invitae Variant Classification Sherloc (09022015). Collection method: clinical testing. Allele origin: germline.

GeneDx
Classification: Uncertain significance. Last evaluated: 2025-09-26. Review status: criteria provided, single submitter. Criteria: GeneDx Variant Classification Process June 2021. Collection method: clinical testing. Allele origin: germline.
Comment: In silico analysis suggests that this missense variant does not alter protein structure/function; This variant is associated with the following publications: (PMID: 33903016)

Blueprint Genetics
Classification: Likely benign. Last evaluated: 2024-09-11. Review status: criteria provided, single submitter. Criteria: ACMG Guidelines, 2015. Collection method: clinical testing. Allele origin: germline.

Ambry Genetics
Classification: Likely benign for Inborn genetic diseases. Last evaluated: 2022-09-26. Review status: criteria provided, single submitter. Criteria: Ambry Variant Classification Scheme 2023. Collection method: clinical testing. Allele origin: germline.

Revvity Omics, Revvity
Classification: Uncertain significance for Dihydropteridine reductase deficiency. Last evaluated: 2022-08-12. Review status: criteria provided, single submitter. Criteria: ACMG Guidelines, 2015. Collection method: clinical testing. Allele origin: germline.

Illumina Laboratory Services, Illumina
Classification: Uncertain significance for Dihydropteridine reductase deficiency. Last evaluated: 2018-01-12. Review status: criteria provided, single submitter. Criteria: ICSL Variant Classification Criteria 13 December 2019. Collection method: clinical testing. Allele origin: germline.